The following is an entry in ClinVar:

NM_001101.5(ACTB):c.890_891del (p.Thr297fs)

Gene: ACTB (actin beta; minus strand). Cytogenetic location: 7p22.1.
Variant type: Microsatellite.
Coding change: c.890_891del on transcript NM_001101.5 (MANE Select); coding-DNA positions 890 to 891, 2 bases deleted (CA; older notation c.890_891delCA).
Protein change: p.Thr297fs; shifts the reading frame from threonine 297.
Molecular consequence: frameshift variant.
Genome position (GRCh38, 1-based): chr7:5,528,097-5,528,098, TG deleted on the plus strand (CA on the coding strand, the reverse complement: ACTB is on the minus strand); deleting any 2 consecutive bases within chr7:5,528,097-5,528,101 gives the same sequence; the c. name uses the placement nearest the transcript's 3' end. VCF-style (leftmost placement, unchanged base first): chr7-5528096-CTG-C. GRCh37 (hg19) VCF-style: chr7-5567727-CTG-C.
Other names: short protein forms T297fs.
Identifiers: ClinVar variation 432794 (VCV000432794.3), dbSNP rs1554329182, ClinGen allele CA645372833.

ClinVar aggregate classification (germline): Likely pathogenic. Review status: criteria provided, multiple submitters, no conflicts (2 of 4 stars). 2 submissions from 2 submitters: Likely pathogenic (2). Last evaluated 2023-09-08.

Conditions:
ACTB Haploinsufficiency syndrome.

Submissions (2):

Clinical Genomics Laboratory, Washington University in St. Louis
Classification: Likely pathogenic for ACTB Haploinsufficiency syndrome. Last evaluated: 2023-09-08. Review status: criteria provided, single submitter. Criteria: ACMG Guidelines, 2015. Collection method: clinical testing. Allele origin: germline. Affected: yes.
Comment: The ACTB c.890_891del (p.Thr297SerfsTer37) variant has been reported in one individual affected with ACTB haploinsufficiency syndrome (Baumann M et al., PMID: 31898838; Bille A et al., PMID: 36400978) and is reported in the ClinVar database as a likely pathogenic variant by one submitter. This variant is absent from the general population (gnomAD v.2.1.1), indicating it is not a common variant. This variant causes a frameshift by deleting two nucleotides, leading to a premature termination codon, which is predicted to lead to nonsense mediated decay. Based on available information and the ACMG/AMP guidelines for variant interpretation (Richards S et al., PMID: 25741868), this variant is classified as likely pathogenic.

GeneDx
Classification: Likely pathogenic. Last evaluated: 2017-12-22. Review status: criteria provided, single submitter. Criteria: GeneDx Variant Classification (06012015). Collection method: clinical testing. Allele origin: germline. Affected: yes.
Comment: A likely pathogenic variant has been identified in the ACTB gene. The c.890_891delCA variant has not been published as a pathogenic variant, nor has it been reported as a benign variant to our knowledge. It is not observed in large population cohorts (Lek et al., 2016; 1000 Genomes Consortium et al., 2015; Exome Variant Server). The c.890_891delCA variant causes a frameshift starting with codon Threonine 297, changes this amino acid to a Serine residue, and creates a premature Stop codon at position 37 of the new reading frame, denoted p.Thr297SerfsX37. This variant is predicted to cause loss of normal protein function through protein truncation, as the last 79 amino acids are lost and replaced with 36 incorrect amino acids. Additionally, other loss of function variants have been reported at GeneDx and in the published literature in association with ACTB-related disorders (Cuvertino et al., 2017). Therefore, this variant is likely pathogenic.